The following is an entry in ClinVar:

NM_001366110.1(PAX4):c.1022G>A (p.Trp341Ter)

Gene: PAX4 (paired box 4; minus strand). Cytogenetic location: 7q32.1.
Variant type: single nucleotide variant.
Coding change: c.1022G>A on transcript NM_001366110.1 (MANE Select); coding-DNA position 1022, G replaced by A.
Protein change: p.Trp341Ter; replaces tryptophan 341 with a stop codon.
Molecular consequence: nonsense. On other transcripts: intron variant (1).
Genome position (GRCh38, 1-based): chr7:127,611,098, C>T on the plus strand (G>A on the coding strand, the complement: PAX4 is on the minus strand). VCF-style: chr7-127611098-C-T. GRCh37 (hg19) VCF-style: chr7-127251152-C-T.
Other names: c.914-113G>A (NM_001366111.1); short protein forms W341*.
Identifiers: ClinVar variation 1684984 (VCV001684984.3), dbSNP rs2233584, ClinGen allele CA4467841.
Genomic context (GRCh38, chr7:127,611,098, plus strand): 5'-TATGCCATCTCCTTCCCACTCCTGCCTCATTCCAAGCCATACAGTAGTGGGCAGCCAGGC[C>T]AGAGCAGGGCCTGAGAGCCACTAAGACTGGCCAGGTGACAGTGGGAGGAAGGGCAAGGAA-3'

ClinVar aggregate classification (germline): Uncertain significance. Review status: criteria provided, multiple submitters, no conflicts (2 of 4 stars). 2 submissions from 2 submitters: Uncertain significance (2). Last evaluated 2024-10-15.

Allele frequency attached by ClinVar (database versions not stated): ESP Exome Variant Server 0.00008; 1000 Genomes Project 30x 0.00016; 1000 Genomes Project 0.00020; gnomAD 0.00020; TOPMed 0.00029.
gnomAD v4.1: 211 of 1,607,756 alleles (0.013%); highest among the groups gnomAD compares: Admixed American, 0.077%; no homozygotes.

Submissions (2):

Labcorp Genetics (formerly Invitae), Labcorp
Classification: Uncertain significance. Last evaluated: 2024-10-15. Review status: criteria provided, single submitter. Criteria: Invitae Variant Classification Sherloc (09022015). Collection method: clinical testing. Allele origin: germline.
Comment: This sequence change creates a premature translational stop signal (p.Trp333*) in the PAX4 gene. While this is not anticipated to result in nonsense mediated decay, it is expected to disrupt the last 11 amino acid(s) of the PAX4 protein. The frequency data for this variant in the population databases is considered unreliable, as metrics indicate poor data quality at this position in the gnomAD database. This premature translational stop signal has been observed in individual(s) with clinical features of PAX4-related disorders (PMID: 31264968). ClinVar contains an entry for this variant (Variation ID: 1684984). In summary, the available evidence is currently insufficient to determine the role of this variant in disease. Therefore, it has been classified as a Variant of Uncertain Significance.

Mendelics
Classification: Uncertain significance. Last evaluated: 2022-05-04. Review status: criteria provided, single submitter. Criteria: Mendelics Assertion Criteria 2019. Collection method: clinical testing. Allele origin: germline.

Literature cited by the submitters: PubMed 31264968 (cited by Labcorp Genetics (formerly Invitae), Labcorp).